The following is an entry in ClinVar:

ClinVar aggregate classification (germline): Uncertain significance (1 of 4 stars; one submission).

Submission:

GeneDx
Classification: Uncertain significance. Last evaluated: 2019-06-17. Review status: criteria provided, single submitter. Criteria: GeneDx Variant Classification Process June 2021. Collection method: clinical testing. Allele origin: germline. Affected: yes.
Comment: Not observed in large population cohorts (Lek et al., 2016); In silico analysis, which includes protein predictors and evolutionary conservation, supports that this variant does not alter protein structure/function; Has not been previously published as pathogenic or benign to our knowledge

NM_000152.5(GAA):c.2599G>C (p.Val867Leu)

Gene: GAA (alpha glucosidase; plus strand). Cytogenetic location: 17q25.3.
Variant type: single nucleotide variant.
Coding change: c.2599G>C on transcript NM_000152.5 (MANE Select); coding-DNA position 2599, G replaced by C.
Protein change: p.Val867Leu; replaces valine 867 with leucine.
Molecular consequence: missense variant.
Genome position (GRCh38, 1-based): chr17:80,118,310, G>C. VCF-style: chr17-80118310-G-C. GRCh37 (hg19) VCF-style: chr17-78092109-G-C.
Other names: c.2599G>C, p.Val867Leu (NM_001079803.3, NM_001079804.3); short protein forms V867L.
Identifiers: ClinVar variation 1306657 (VCV001306657.2), dbSNP rs2039405275, ClinGen allele CA401326325.